The following is an entry in ClinVar:

ClinVar aggregate classification (germline): Uncertain significance (1 of 4 stars; one submission).

gnomAD v4.1: 10 of 1,608,318 alleles (0.00062%); highest among the groups gnomAD compares: Non-Finnish European, 0.00085%; no homozygotes.

Submission:

Ambry Genetics
Classification: Uncertain significance. Last evaluated: 2025-06-18. Review status: criteria provided, single submitter. Criteria: Ambry Variant Classification Scheme 2023. Collection method: clinical testing. Allele origin: germline.
Comment: The c.853+4A>G intronic variant results from an A to G substitution 4 nucleotides after coding exon 7 in the RAD51B gene. This nucleotide position is highly conserved in available vertebrate species. In silico splice site analysis predicts that this alteration will not have any significant effect on splicing. The evidence for this gene-disease relationship is limited; therefore, the clinical significance of this alteration is unclear.

NM_133510.4(RAD51B):c.853+4A>G

Gene: RAD51B (RAD51 paralog B; plus strand). Cytogenetic location: 14q24.1.
Variant type: single nucleotide variant.
Coding change: c.853+4A>G on transcript NM_133510.4 (MANE Select); 4 bases into the intron after coding-DNA position 853, A replaced by G.
Molecular consequence: intron variant.
Genome position (GRCh38, 1-based): chr14:68,291,984, A>G. VCF-style: chr14-68291984-A-G. GRCh37 (hg19) VCF-style: chr14-68758701-A-G.
Other names: c.853+4A>G (NM_001321818.2, NM_001321809.2, NM_001321821.2 and 6 more transcripts); c.496+4A>G (NM_001321817.2); c.739+4A>G (NM_001321815.1).
Identifiers: ClinVar variation 4149797 (VCV004149797.1).